The following is an entry in ClinVar:

ClinVar aggregate classification (germline): Conflicting classifications of pathogenicity. Review status: criteria provided, conflicting classifications (1 of 4 stars). 2 submissions from 2 submitters: Uncertain significance (1); Benign (1). Last evaluated 2025-09-27.

Allele frequency attached by ClinVar (database versions not stated): TOPMed 0.00008; gnomAD 0.00010; gnomAD exomes 0.00016; 1000 Genomes Project 0.00020; 1000 Genomes Project 30x 0.00031; ExAC 0.00034.
gnomAD v4.1: 243 of 1,614,188 alleles (0.015%); highest among the groups gnomAD compares: South Asian, 0.22%; 1 homozygote.

Submissions (2):

Ambry Genetics
Classification: Uncertain significance. Last evaluated: 2025-09-27. Review status: criteria provided, single submitter. Criteria: Ambry Variant Classification Scheme 2023. Collection method: clinical testing. Allele origin: germline.

CeGaT Center for Human Genetics Tuebingen
Classification: Benign. Last evaluated: 2022-04-01. Review status: criteria provided, single submitter. Criteria: CeGaT Center For Human Genetics Tuebingen Variant Classification Criteria Version 2. Collection method: clinical testing. Allele origin: germline. Affected: yes. Observed: 1 variant allele.
Comment: BLTP2: BS1, BS2

NM_014680.5(BLTP2):c.6205G>A (p.Val2069Ile)

Genes: BLTP2 (bridge-like lipid transfer protein family member 2; minus strand), SPAG5-AS1 (SPAG5 antisense RNA 1; plus strand). Cytogenetic location: 17q11.2.
Variant type: single nucleotide variant.
Coding change: c.6205G>A on transcript NM_014680.5 (MANE Select); coding-DNA position 6205, G replaced by A.
Protein change: p.Val2069Ile; replaces valine 2069 with isoleucine.
Molecular consequence: missense variant. On other transcripts: non-coding transcript variant (1).
Genome position (GRCh38, 1-based): chr17:28,616,462, C>T on the plus strand (G>A on the coding strand, the complement: BLTP2 is on the minus strand). VCF-style: chr17-28616462-C-T. GRCh37 (hg19) VCF-style: chr17-26943480-C-T.
Other names: c.6202G>A, p.Val2068Ile (NM_001321560.2); c.5776G>A, p.Val1926Ile (NM_001363826.1); c.5200G>A, p.Val1734Ile (NM_001363827.1); c.4180G>A, p.Val1394Ile (NM_001363828.1); c.4177G>A, p.Val1393Ile (NM_001363829.1); c.6205G>A (NM_014680.3); short protein forms V1393I, V1394I, V1734I, V1926I, V2068I, V2069I.
Identifiers: ClinVar variation 2647591 (VCV002647591.24), dbSNP rs536534531, ClinGen allele CA8462313.